The following is an entry in ClinVar:

ClinVar aggregate classification (germline): Uncertain significance. Review status: criteria provided, single submitter (1 of 4 stars). 2 submissions from 2 submitters: Uncertain significance (1). 1 of the submissions does not count toward it. Last evaluated 2022-09-19.

Conditions:
PEX14-related disorder. Also called: PEX14-related condition.
Peroxisome biogenesis disorder, complementation group K (CGK). Identifiers: MedGen C1866257, MONDO:0800365.

Allele frequency attached by ClinVar (database versions not stated): gnomAD exomes below 0.00001; gnomAD 0.00001; ExAC 0.00002; TOPMed 0.00003; ESP Exome Variant Server 0.00008.
gnomAD v4.1: 5 of 1,614,068 alleles (0.00031%); highest among the groups gnomAD compares: African/African-American, 0.0067%; no homozygotes.

Submissions (2):

Labcorp Genetics (formerly Invitae), Labcorp
Classification: Uncertain significance for Peroxisome biogenesis disorder, complementation group K. Last evaluated: 2022-09-19. Review status: criteria provided, single submitter. Criteria: Invitae Variant Classification Sherloc (09022015). Collection method: clinical testing. Allele origin: germline.
Comment: This sequence change replaces valine, which is neutral and non-polar, with isoleucine, which is neutral and non-polar, at codon 87 of the PEX14 protein (p.Val87Ile). This variant is present in population databases (rs148365356, gnomAD 0.01%). This variant has not been reported in the literature in individuals affected with PEX14-related conditions. Advanced modeling of protein sequence and biophysical properties (such as structural, functional, and spatial information, amino acid conservation, physicochemical variation, residue mobility, and thermodynamic stability) performed at Invitae indicates that this missense variant is not expected to disrupt PEX14 protein function. Algorithms developed to predict the effect of sequence changes on RNA splicing suggest that this variant may disrupt the consensus splice site. In summary, the available evidence is currently insufficient to determine the role of this variant in disease. Therefore, it has been classified as a Variant of Uncertain Significance.

PreventionGenetics, part of Exact Sciences
Classification: Uncertain significance for PEX14-related condition. Last evaluated: 2024-09-25. Review status: no assertion criteria provided. Collection method: clinical testing. Allele origin: germline. Not counted in ClinVar's aggregate classification.
Comment: The PEX14 c.259G>A variant is predicted to result in the amino acid substitution p.Val87Ile. To our knowledge, this variant has not been reported in the literature. This variant is reported in 0.012% of alleles in individuals of African descent in gnomAD. At this time, the clinical significance of this variant is uncertain due to the absence of conclusive functional and genetic evidence.

NM_004565.3(PEX14):c.259G>A (p.Val87Ile)

Gene: PEX14 (peroxisomal biogenesis factor 14; plus strand). Cytogenetic location: 1p36.22.
Variant type: single nucleotide variant.
Coding change: c.259G>A on transcript NM_004565.3 (MANE Select); coding-DNA position 259, G replaced by A.
Protein change: p.Val87Ile; replaces valine 87 with isoleucine.
Molecular consequence: missense variant.
Genome position (GRCh38, 1-based): chr1:10,599,327, G>A. VCF-style: chr1-10599327-G-A. GRCh37 (hg19) VCF-style: chr1-10659384-G-A.
Other names: c.259G>A (NM_004565.2); short protein forms V87I.
Identifiers: ClinVar variation 2180396 (VCV002180396.2), dbSNP rs148365356, ClinGen allele CA583764.